The following is an entry in ClinVar:

NM_020713.3(ZNF512B):c.1578T>C (p.Leu526=)

Gene: ZNF512B (zinc finger protein 512B; minus strand). Cytogenetic location: 20q13.33.
Variant type: single nucleotide variant.
Coding change: c.1578T>C on transcript NM_020713.3 (MANE Select); coding-DNA position 1578, T replaced by C.
Protein change: p.Leu526=; no amino-acid change (leucine 526 retained).
Molecular consequence: synonymous variant.
Genome position (GRCh38, 1-based): chr20:63,963,816, A>G on the plus strand (T>C on the coding strand, the complement: ZNF512B is on the minus strand). VCF-style: chr20-63963816-A-G. GRCh37 (hg19) VCF-style: chr20-62595169-A-G.
Identifiers: ClinVar variation 3059781 (VCV003059781.2), dbSNP rs817325, ClinGen allele CA9971073.
Genomic context (GRCh38, chr20:63,963,816, plus strand): 5'-CTCCCTCCCAGCGCCTTCCGGGAGCTGCCTTACCTTCTGACACACCTCCATGTGCTTCTT[A>G]AGCCCCACGAGAGTCTTCCGGGTGACCACGTTGCAGGTGGGGCAGACGGCTTCCCCGCGC-3'
Protein context (NP_065764.1, residues 516-536): NVVTRKTLVG[Leu526=]KKHMEVCQKL

ClinVar aggregate classification (germline): Benign (0 of 4 stars; one submission).

Conditions:
ZNF512B-related disorder. Also called: ZNF512B-related condition.

Allele frequency attached by ClinVar (database versions not stated): 1000 Genomes Project 0.49241; 1000 Genomes Project 30x 0.50234; ExAC 0.53637; gnomAD exomes 0.57075; TOPMed 0.58670; gnomAD 0.59368; ESP Exome Variant Server 0.62556.
gnomAD v4.1: 922,499 of 1,612,712 alleles (57%); highest among the groups gnomAD compares: African/African-American, 73%; 273,498 homozygotes.

Submission:

PreventionGenetics, part of Exact Sciences
Classification: Benign for ZNF512B-related condition. Last evaluated: 2019-10-17. Review status: no assertion criteria provided. Collection method: clinical testing. Allele origin: germline.
Comment: This variant is classified as benign based on ACMG/AMP sequence variant interpretation guidelines (Richards et al. 2015 PMID: 25741868, with internal and published modifications).